The following is an entry in ClinVar:

ClinVar aggregate classification (germline): Uncertain significance. Review status: criteria provided, multiple submitters, no conflicts (2 of 4 stars). 2 submissions from 2 submitters: Uncertain significance (2). Last evaluated 2026-02-07.

gnomAD v4.1: 11 of 1,613,502 alleles (0.00068%); highest among the groups gnomAD compares: South Asian, 0.0033%; no homozygotes.

Submissions (2):

GeneDx
Classification: Uncertain significance. Last evaluated: 2026-02-07. Review status: criteria provided, single submitter. Criteria: GeneDx Variant Classification Process June 2021. Collection method: clinical testing. Allele origin: germline.
Comment: Identified as a de novo heterozygous variant in a patient from a large cohort of individuals with developmental disorders in published literature; however, detailed clinical information was not included (PMID: 33057194); In silico analysis supports that this missense variant has a deleterious effect on protein structure/function; This variant is associated with the following publications: (PMID: 35746657, 33057194, 35982159)

Blueprint Genetics
Classification: Uncertain significance. Last evaluated: 2021-10-07. Review status: criteria provided, single submitter. Criteria: ACMG Guidelines, 2015. Collection method: clinical testing. Allele origin: germline.

NM_139027.6(ADAMTS13):c.1906C>T (p.Arg636Trp)

Gene: ADAMTS13 (ADAM metallopeptidase with thrombospondin type 1 motif 13; plus strand). Cytogenetic location: 9q34.2.
Variant type: single nucleotide variant.
Coding change: c.1906C>T on transcript NM_139027.6 (MANE Select); coding-DNA position 1906, C replaced by T.
Protein change: p.Arg636Trp; replaces arginine 636 with tryptophan.
Molecular consequence: missense variant. On other transcripts: non-coding transcript variant (1).
Genome position (GRCh38, 1-based): chr9:133,440,463, C>T. VCF-style: chr9-133440463-C-T. GRCh37 (hg19) VCF-style: chr9-136305584-C-T.
Other names: c.1906C>T, p.Arg636Trp (NM_139025.5); c.1813C>T, p.Arg605Trp (NM_139026.6); short protein forms R605W, R636W.
Identifiers: ClinVar variation 4891472 (VCV004891472.1).
Genomic context (GRCh38, chr9:133,440,463, plus strand): 5'-ACCTACCCCTCCCTCCTGGAGGATGGTCGTGTCGAGTACAGAGTGGCCCTCACCGAGGAC[C>T]GGCTGCCCCGCCTGGAGGAGATCCGCATCTGGGGACCCCTCCAGGAAGATGCTGACATCC-3'
Protein context (NP_620596.2, residues 626-646): VEYRVALTED[Arg636Trp]LPRLEEIRIW